The following is an entry in ClinVar:

NM_001384732.1(CPLANE1):c.2974A>T (p.Arg992Ter)

Gene: CPLANE1 (ciliogenesis and planar polarity effector complex subunit 1; minus strand). Cytogenetic location: 5p13.2.
Variant type: single nucleotide variant.
Coding change: c.2974A>T on transcript NM_001384732.1 (MANE Select); coding-DNA position 2974, A replaced by T.
Protein change: p.Arg992Ter; replaces arginine 992 with a stop codon.
Molecular consequence: nonsense.
Genome position (GRCh38, 1-based): chr5:37,206,372, T>A on the plus strand (A>T on the coding strand, the complement: CPLANE1 is on the minus strand). VCF-style: chr5-37206372-T-A. GRCh37 (hg19) VCF-style: chr5-37206474-T-A.
Other names: c.2974A>T, p.Arg992Ter (NM_023073.4); short protein forms R992*.
Identifiers: ClinVar variation 3902724 (VCV003902724.1).

ClinVar aggregate classification (germline): Pathogenic (1 of 4 stars; one submission).

Conditions:
Joubert syndrome and related disorders. Identifiers: Orphanet 140874, MedGen C5679612, MONDO:0015369.

Submission:

Women's Health and Genetics/Laboratory Corporation of America, LabCorp
Classification: Pathogenic for Joubert syndrome and related disorders. Last evaluated: 2025-05-23. Review status: criteria provided, single submitter. Criteria: LabCorp Variant Classification Summary - May 2015. Collection method: clinical testing. Allele origin: germline.
Comment: Variant summary: CPLANE1 c.2974A>T (p.Arg992X) results in a premature termination codon, predicted to cause a truncation of the encoded protein or absence of the protein due to nonsense mediated decay, which are commonly known mechanisms for disease. The variant was absent in 1544868 control chromosomes (gnomAD). To our knowledge, no occurrence of c.2974A>T in individuals affected with Joubert Syndrome And Related Disorders and no experimental evidence demonstrating its impact on protein function have been reported. No submitters have cited clinical-significance assessments for this variant to ClinVar. Based on the evidence outlined above, the variant was classified as pathogenic.